The following is an entry in ClinVar:

ClinVar aggregate classification (germline): Uncertain significance (1 of 4 stars; one submission).

Submission:

Dasa
Classification: Uncertain significance. Last evaluated: 2026-03-25. Review status: criteria provided, single submitter. Criteria: DASA Assertion Criteria. Collection method: clinical testing. Allele origin: germline.
Comment: NM_007325.5(GRIA3):c.340A>T (p.Thr114Ser) is a missense variant that results in the substitution of threonine with serine. This variant is rare in population databases. The currently available literature and clinical evidence are not sufficient to establish a definitive association between this variant and the reported condition. Therefore, this variant is classified as a variant of uncertain significance.

NM_007325.5(GRIA3):c.340A>T (p.Thr114Ser)

Gene: GRIA3 (glutamate ionotropic receptor AMPA type subunit 3; plus strand). Cytogenetic location: Xq25.
Variant type: single nucleotide variant.
Coding change: c.340A>T on transcript NM_007325.5 (MANE Select); coding-DNA position 340, A replaced by T.
Protein change: p.Thr114Ser; replaces threonine 114 with serine.
Molecular consequence: missense variant.
Genome position (GRCh38, 1-based): chrX:123,253,374, A>T. VCF-style: chrX-123253374-A-T. GRCh37 (hg19) VCF-style: chrX-122387225-A-T.
Other names: c.340A>T, p.Thr114Ser (NM_000828.5); short protein forms T114S.
Identifiers: ClinVar variation 4885561 (VCV004885561.2).